The following is an entry in ClinVar:

ClinVar aggregate classification (germline): Pathogenic (1 of 4 stars; one submission).

Submission:

Labcorp Genetics (formerly Invitae), Labcorp
Classification: Pathogenic. Last evaluated: 2021-09-01. Review status: criteria provided, single submitter. Criteria: Invitae Variant Classification Sherloc (09022015). Collection method: clinical testing. Allele origin: germline.
Comment: This sequence change creates a premature translational stop signal (p.Gln434Profs*9) in the LAMA3 gene. It is expected to result in an absent or disrupted protein product. Loss-of-function variants in LAMA3 are known to be pathogenic (PMID: 10366601, 11810295, 12915477, 16473856, 17362460, 22434185, 23869449, 27827380, 28087116). This variant is not present in population databases (ExAC no frequency). This variant has not been reported in the literature in individuals affected with LAMA3-related conditions. For these reasons, this variant has been classified as Pathogenic.

Literature cited by the submitters: PubMed 10366601; PubMed 11810295; PubMed 12915477; PubMed 16473856; PubMed 17362460; PubMed 22434185; PubMed 23869449; PubMed 27827380; PubMed 28087116.

NM_198129.4(LAMA3):c.6128_6140del (p.Gln2043fs)

Gene: LAMA3 (laminin subunit alpha 3; plus strand). Cytogenetic location: 18q11.2.
Variant type: Deletion.
Coding change: c.6128_6140del on transcript NM_198129.4 (MANE Select); coding-DNA positions 6128 to 6140, 13 bases deleted (AGGAGGCAGCTGC).
Protein change: p.Gln2043fs; shifts the reading frame from glutamine 2043.
Molecular consequence: frameshift variant.
Genome position (GRCh38, 1-based): chr18:23,901,250-23,901,262, AGGAGGCAGCTGC deleted; deleting any 13 consecutive bases within chr18:23,901,245-23,901,262 gives the same sequence; the c. name uses the placement nearest the transcript's 3' end. VCF-style (leftmost placement, unchanged base first): chr18-23901244-GGCTGCAGGAGGCA-G. GRCh37 (hg19) VCF-style: chr18-21481208-GGCTGCAGGAGGCA-G.
Other names: c.1301_1313del, p.Gln434fs (NM_000227.6); c.5960_5972del, p.Gln1987fs (NM_001127717.4); c.1133_1145del, p.Gln378fs (NM_001127718.4); short protein forms Q1987fs, Q2043fs, Q378fs, Q434fs.
Identifiers: ClinVar variation 1444386 (VCV001444386.6), dbSNP rs2145124774, ClinGen allele CA2573155145.